The following is an entry in ClinVar:

NM_001113378.2(FANCI):c.206A>G (p.Tyr69Cys)

Gene: FANCI (FA complementation group I; plus strand). Cytogenetic location: 15q26.1.
Variant type: single nucleotide variant.
Coding change: c.206A>G on transcript NM_001113378.2 (MANE Select); coding-DNA position 206, A replaced by G.
Protein change: p.Tyr69Cys; replaces tyrosine 69 with cysteine.
Molecular consequence: missense variant. On other transcripts: 5 prime UTR variant (1).
Genome position (GRCh38, 1-based): chr15:89,260,761, A>G. VCF-style: chr15-89260761-A-G. GRCh37 (hg19) VCF-style: chr15-89803992-A-G.
Other names: c.-74A>G (NM_001376910.1); c.206A>G, p.Tyr69Cys (NM_001376911.1, NM_018193.3); short protein forms Y69C.
Identifiers: ClinVar variation 1020172 (VCV001020172.10), dbSNP rs1414995711, ClinGen allele CA393737884.

ClinVar aggregate classification (germline): Uncertain significance. Review status: criteria provided, multiple submitters, no conflicts (2 of 4 stars). 2 submissions from 2 submitters: Uncertain significance (2). Last evaluated 2025-07-03.

Conditions:
Fanconi anemia (FA). Also called: Fanconi's anemia. Identifiers: Orphanet 84, MedGen C0015625, MeSH D005199, MONDO:0019391.
Fanconi anemia complementation group I (FANCI). Also called: FANCI-Related Fanconi Anemia. Identifiers: Orphanet 84, MedGen C1836861, MONDO:0012186, OMIM 609053.

Allele frequency attached by ClinVar (database versions not stated): gnomAD exomes 0.00001; gnomAD 0.00005 and 0.00006.
gnomAD v4.1: 10 of 1,613,970 alleles (0.00062%); highest among the groups gnomAD compares: African/African-American, 0.013%; no homozygotes.

Submissions (2):

Labcorp Genetics (formerly Invitae), Labcorp
Classification: Uncertain significance for Fanconi anemia. Last evaluated: 2025-07-03. Review status: criteria provided, single submitter. Criteria: Invitae Variant Classification Sherloc (09022015). Collection method: clinical testing. Allele origin: germline.
Comment: This sequence change replaces tyrosine, which is neutral and polar, with cysteine, which is neutral and slightly polar, at codon 69 of the FANCI protein (p.Tyr69Cys). This variant is present in population databases (no rsID available, gnomAD 0.01%). This variant has not been reported in the literature in individuals affected with FANCI-related conditions. ClinVar contains an entry for this variant (Variation ID: 1020172). Invitae Evidence Modeling of protein sequence and biophysical properties (such as structural, functional, and spatial information, amino acid conservation, physicochemical variation, residue mobility, and thermodynamic stability) indicates that this missense variant is expected to disrupt FANCI protein function with a positive predictive value of 80%. In summary, the available evidence is currently insufficient to determine the role of this variant in disease. Therefore, it has been classified as a Variant of Uncertain Significance.

Fulgent Genetics
Classification: Uncertain significance for Fanconi anemia complementation group I. Last evaluated: 2024-05-29. Review status: criteria provided, single submitter. Criteria: ACMG Guidelines, 2015. Collection method: clinical testing. Allele origin: germline.